The following is an entry in ClinVar:

NM_006031.6(PCNT):c.640-38T>G

Gene: PCNT (pericentrin; plus strand). Cytogenetic location: 21q22.3.
Variant type: single nucleotide variant.
Coding change: c.640-38T>G on transcript NM_006031.6 (MANE Select); 38 bases into the intron before coding-DNA position 640, T replaced by G.
Molecular consequence: intron variant.
Genome position (GRCh38, 1-based): chr21:46,346,090, T>G. VCF-style: chr21-46346090-T-G. GRCh37 (hg19) VCF-style: chr21-47766004-T-G.
Other names: c.286-38T>G (NM_001315529.2).
Identifiers: ClinVar variation 159632 (VCV000159632.9), dbSNP rs2839216, ClinGen allele CA173047.

ClinVar aggregate classification (germline): Benign. Review status: criteria provided, multiple submitters, no conflicts (2 of 4 stars). 3 submissions from 3 submitters: Benign (2). 1 of the submissions does not count toward it. Last evaluated 2018-06-29.

Allele frequency attached by ClinVar (database versions not stated): gnomAD 0.12924 and 0.12326; 1000 Genomes Project 0.14996; gnomAD exomes 0.02512 and 0.04791; ExAC 0.05504; ESP Exome Variant Server 0.13655; 1000 Genomes Project 30x 0.15646; TOPMed 0.13483.
gnomAD v4.1: 55,945 of 1,591,078 alleles (3.5%); highest among the groups gnomAD compares: African/African-American, 39%; 6,377 homozygotes.

Submissions (3):

GeneDx
Classification: Benign. Last evaluated: 2018-06-29. Review status: criteria provided, single submitter. Criteria: GeneDx Variant Classification Process June 2021. Collection method: clinical testing. Allele origin: germline. Affected: yes.

Breakthrough Genomics
Classification: Benign. Review status: criteria provided, single submitter. Criteria: ACMG Guidelines, 2015. Collection method: not provided. Allele origin: germline. Inheritance: Autosomal recessive inheritance. Affected: yes.

Genetic Services Laboratory, University of Chicago
Classification: Likely benign. Review status: no assertion criteria provided. Collection method: clinical testing. Allele origin: germline. Inheritance: Autosomal recessive inheritance. Not counted in ClinVar's aggregate classification.
Comment: Likely benign based on allele frequency in 1000 Genomes Project or ESP global frequency and its presence in a patient with a rare or unrelated disease phenotype. NOT Sanger confirmed